The following is an entry in ClinVar:

ClinVar aggregate classification (germline): Uncertain significance. Review status: criteria provided, single submitter (1 of 4 stars). 2 submissions from 2 submitters: Uncertain significance (1). 1 of the submissions does not count toward it. Last evaluated 2018-01-13.

Conditions:
UPK3A-related disorder. Also called: UPK3A-related condition.
Renal hypodysplasia/aplasia 1 (RHDA1). Also called: RENAL APLASIA; HEREDITARY RENAL APLASIA. Identifiers: Orphanet 411709, MedGen C1619700, MONDO:0024519, OMIM 191830.

Allele frequency attached by ClinVar (database versions not stated): 1000 Genomes Project 30x 0.00016; 1000 Genomes Project 0.00020; ESP Exome Variant Server 0.00023; TOPMed 0.00030; gnomAD 0.00031 and 0.00034; gnomAD exomes 0.00036 and 0.00047; ExAC 0.00041.
gnomAD v4.1: 580 of 1,614,016 alleles (0.036%); highest among the groups gnomAD compares: Middle Eastern, 0.12%; 1 homozygote.

Submissions (2):

Illumina Laboratory Services, Illumina
Classification: Uncertain significance for Renal hypodysplasia/aplasia 1. Last evaluated: 2018-01-13. Review status: criteria provided, single submitter. Criteria: ICSL Variant Classification Criteria 13 December 2019. Collection method: clinical testing. Allele origin: germline.

PreventionGenetics, part of Exact Sciences
Classification: Likely benign for UPK3A-related condition. Last evaluated: 2022-02-08. Review status: no assertion criteria provided. Collection method: clinical testing. Allele origin: germline. Not counted in ClinVar's aggregate classification.
Comment: This variant is classified as likely benign based on ACMG/AMP sequence variant interpretation guidelines (Richards et al. 2015 PMID: 25741868, with internal and published modifications).

NM_006953.4(UPK3A):c.404G>A (p.Arg135Lys)

Gene: UPK3A (uroplakin 3A; plus strand). Cytogenetic location: 22q13.31.
Variant type: single nucleotide variant.
Coding change: c.404G>A on transcript NM_006953.4 (MANE Select); coding-DNA position 404, G replaced by A.
Protein change: p.Arg135Lys; replaces arginine 135 with lysine.
Molecular consequence: missense variant. On other transcripts: intron variant (1).
Genome position (GRCh38, 1-based): chr22:45,287,367, G>A. VCF-style: chr22-45287367-G-A. GRCh37 (hg19) VCF-style: chr22-45683248-G-A.
Other names: c.208+1271G>A (NM_001167574.2); short protein forms R135K.
Identifiers: ClinVar variation 341975 (VCV000341975.8), dbSNP rs147406393, ClinGen allele CA10284364.